The following is an entry in ClinVar:

ClinVar aggregate classification (germline): Pathogenic/Likely pathogenic. Review status: criteria provided, multiple submitters, no conflicts (2 of 4 stars). 2 submissions from 2 submitters: Pathogenic (1); Likely pathogenic (1). Last evaluated 2024-08-23.

Conditions:
Dilated cardiomyopathy 1G (CMD1G). Identifiers: Orphanet 154, MedGen C1858763, MONDO:0011400, OMIM 604145.
Autosomal recessive limb-girdle muscular dystrophy type 2J (LGMDR10). Also called: MUSCULAR DYSTROPHY, LIMB-GIRDLE, AUTOSOMAL RECESSIVE 10; Limb-girdle muscular dystrophy, type 2J. Identifiers: Orphanet 140922, MedGen C1837342, MONDO:0012127, OMIM 608807.

Submissions (2):

Labcorp Genetics (formerly Invitae), Labcorp
Classification: Likely pathogenic for Dilated cardiomyopathy 1G; Autosomal recessive limb-girdle muscular dystrophy type 2J. Last evaluated: 2024-08-23. Review status: criteria provided, single submitter. Criteria: Invitae Variant Classification Sherloc (09022015). Collection method: clinical testing. Allele origin: germline.
Comment: This sequence change creates a premature translational stop signal (p.Ile32508Argfs*5) in the TTN gene. While this is not anticipated to result in nonsense mediated decay, it is expected to create a truncated TTN protein. This variant is not present in population databases (gnomAD no frequency). This variant has not been reported in the literature in individuals affected with TTN-related conditions. ClinVar contains an entry for this variant (Variation ID: 202542). This variant is located in the A band of TTN (PMID: 25589632). Truncating variants in this region are significantly overrepresented in patients affected with dilated cardiomyopathy (PMID: 25589632). Truncating variants in this region have also been reported in individuals affected with autosomal recessive centronuclear myopathy (PMID: 23975875). In summary, the currently available evidence indicates that the variant is pathogenic, but additional data are needed to prove that conclusively. Therefore, this variant has been classified as Likely Pathogenic.

GeneDx
Classification: Pathogenic. Last evaluated: 2014-11-21. Review status: criteria provided, single submitter. Criteria: GeneDx Variant Classification (06012015). Collection method: clinical testing. Allele origin: germline. Affected: yes.
Comment: c.92600_92604delTATTT: p.Ile30867ArgfsX5 (I30867RfsX5) in exon 300 of the TTN gene (NM_001256850.1). The normal sequence with the bases that are deleted in braces is: CAGA{TATTT} GATG. Although the c.92600_90604delTATTT mutation in the TTN gene has not been reported to our knowledge, this mutation causes a shift in reading frame starting at codon Isoleucine 30867, changing it to a Arginine, and creating a premature stop codon at position 5 of the new reading frame, denoted p.Ile30867ArgfsX5. This mutation is expected to result in either an abnormal, truncated protein product or loss of protein from this allele through nonsense-mediated mRNA decay. Other truncating TTN variants have been reported in approximately 3% of control alleles (Herman D et al., 2012). However, c.92600_92604delTATTT is located in the A-band region of titin, where the majority of truncating mutations associated with DCM have been reported (Herman D et al., 2012). In summary, c.92600_92604delTATTT in the TTN gene is interpreted as a disease-causing mutation. The variant is found in CARDIOMYOPATHY panel(s).

Literature cited by the submitters: PubMed 25589632 (cited by Labcorp Genetics (formerly Invitae), Labcorp); PubMed 23975875 (cited by Labcorp Genetics (formerly Invitae), Labcorp).

NM_001267550.2(TTN):c.97523_97527del (p.Ile32508fs)

Genes: TTN-AS1 (TTN antisense RNA 1; plus strand), TTN (titin; minus strand). Cytogenetic location: 2q31.2.
Variant type: Deletion.
Coding change: c.97523_97527del on transcript NM_001267550.2 (MANE Select); coding-DNA positions 97523 to 97527, 5 bases deleted (TATTT; older notation c.97523_97527delTATTT).
Protein change: p.Ile32508fs; shifts the reading frame from isoleucine 32508.
Molecular consequence: frameshift variant.
Genome position (GRCh38, 1-based): chr2:178,541,550-178,541,554, AAATA deleted on the plus strand (TATTT on the coding strand, the reverse complement: TTN is on the minus strand). VCF-style (leftmost placement, unchanged base first): chr2-178541549-CAAATA-C. GRCh37 (hg19) VCF-style: chr2-179406276-CAAATA-C.
Other names: c.92600_92604delTATTT (NM_001256850.1); c.92600_92604del, p.Ile30867fs (NM_001256850.1); c.70328_70332del, p.Ile23443fs (NM_003319.4); c.89819_89823del, p.Ile29940fs (NM_133378.4); c.70703_70707del, p.Ile23568fs (NM_133432.3); c.70904_70908del, p.Ile23635fs (NM_133437.4); short protein forms I23443fs, I23635fs, I29940fs, I23568fs, I30867fs, I32508fs.
Identifiers: ClinVar variation 202542 (VCV000202542.9), dbSNP rs794729395, ClinGen allele CA309546.
Genomic context (GRCh38, chr2:178,541,549, plus strand): 5'-GGGAGCCACCGTCATCCTCTGGTGGGTACCAAGTAAGTGTCATGCCATCACGGGAAACAT[CAAATA>C]TCTGTAATGTTTCTGGGGGTCCAGGAATACCTGCAGCAAGACAGAGGTTAACACGATATG-3'